The following is an entry in ClinVar:

ClinVar aggregate classification (germline): Uncertain significance (1 of 4 stars; one submission).

Conditions:
Aicardi-Goutieres syndrome 7 (AGS7). Identifiers: Orphanet 51, MedGen C3888244, MONDO:0014367, OMIM 615846.
Singleton-Merten syndrome 1 (SGMRT1). Also called: Widened medullary cavities of bone, aortic calcification, abnormal dentition, and muscular weakness; Syndrome of widened medullary cavities of the metacarpals and phalanges, aortic calcification and abnormal dentition. Identifiers: Orphanet 85191, MedGen C4225427, MONDO:0024535, OMIM 182250.

gnomAD v4.1: 9 of 1,609,156 alleles (0.00056%); highest among the groups gnomAD compares: Non-Finnish European, 0.00068%; no homozygotes.

Submission:

Labcorp Genetics (formerly Invitae), Labcorp
Classification: Uncertain significance for Aicardi-Goutieres syndrome 7; Singleton-Merten syndrome 1. Last evaluated: 2021-04-13. Review status: criteria provided, single submitter. Criteria: Invitae Variant Classification Sherloc (09022015). Collection method: clinical testing. Allele origin: germline.
Comment: This variant has not been reported in the literature in individuals with IFIH1-related disease. This variant is not present in population databases (ExAC no frequency). This sequence change affects a donor splice site in intron 7 of the IFIH1 gene. It is expected to disrupt RNA splicing and likely results in an absent or disrupted protein product. The current clinical and genetic evidence is not sufficient to establish whether loss-of-function variants in IFIH1 cause disease. In summary, the available evidence is currently insufficient to determine the role of this variant in disease. Therefore, it has been classified as a Variant of Uncertain Significance.

NM_022168.4(IFIH1):c.1524+2T>G

Gene: IFIH1 (interferon induced with helicase C domain 1; minus strand). Cytogenetic location: 2q24.2.
Variant type: single nucleotide variant.
Coding change: c.1524+2T>G on transcript NM_022168.4 (MANE Select); the canonical splice donor site of the intron after coding-DNA position 1524, T replaced by G.
Molecular consequence: splice donor variant.
Genome position (GRCh38, 1-based): chr2:162,281,326, A>C on the plus strand (T>G on the coding strand, the complement: IFIH1 is on the minus strand). VCF-style: chr2-162281326-A-C. GRCh37 (hg19) VCF-style: chr2-163137836-A-C.
Identifiers: ClinVar variation 641379 (VCV000641379.7), dbSNP rs865898522, ClinGen allele CA59664688.